The following is an entry in ClinVar:

NM_025137.4(SPG11):c.1162C>G (p.Pro388Ala)

Gene: SPG11 (SPG11 vesicle trafficking associated, spatacsin; minus strand). Cytogenetic location: 15q21.1.
Variant type: single nucleotide variant.
Coding change: c.1162C>G on transcript NM_025137.4 (MANE Select); coding-DNA position 1162, C replaced by G.
Protein change: p.Pro388Ala; replaces proline 388 with alanine.
Molecular consequence: missense variant.
Genome position (GRCh38, 1-based): chr15:44,651,785, G>C on the plus strand (C>G on the coding strand, the complement: SPG11 is on the minus strand). VCF-style: chr15-44651785-G-C. GRCh37 (hg19) VCF-style: chr15-44943983-G-C.
Other names: c.1162C>G, p.Pro388Ala (NM_001160227.2); short protein forms P388A.
Identifiers: ClinVar variation 1508666 (VCV001508666.8), dbSNP rs2141106847, ClinGen allele CA392236454.

ClinVar aggregate classification (germline): Uncertain significance (1 of 4 stars; one submission).

Conditions:
Hereditary spastic paraplegia 11. Also called: Spastic paraplegia, mental retardation and thin corpus callosum; SPASTIC PARAPLEGIA, AUTOSOMAL RECESSIVE, COMPLICATED, WITH THIN CORPUS CALLOSUM; SPASTIC PARAPLEGIA, AUTOSOMAL RECESSIVE, WITH MENTAL IMPAIRMENT AND THIN CORPUS CALLOSUM; Spastic Paraplegia 11; Nakamura Osame syndrome; Autosomal recessive hereditary spastic paraplegia, mental impairment, and thin corpus callosum. Identifiers: Orphanet 2822, MedGen C1858479, MONDO:0011445, OMIM 604360.

Submission:

Labcorp Genetics (formerly Invitae), Labcorp
Classification: Uncertain significance for Hereditary spastic paraplegia 11. Last evaluated: 2021-02-09. Review status: criteria provided, single submitter. Criteria: Invitae Variant Classification Sherloc (09022015). Collection method: clinical testing. Allele origin: germline.
Comment: This sequence change replaces proline with alanine at codon 388 of the SPG11 protein (p.Pro388Ala). The proline residue is moderately conserved and there is a small physicochemical difference between proline and alanine. This variant is not present in population databases (ExAC no frequency). This variant has not been reported in the literature in individuals with SPG11-related conditions. Algorithms developed to predict the effect of missense changes on protein structure and function are either unavailable or do not agree on the potential impact of this missense change (SIFT: "Deleterious"; PolyPhen-2: "Probably Damaging"; Align-GVGD: "Class C0"). In summary, the available evidence is currently insufficient to determine the role of this variant in disease. Therefore, it has been classified as a Variant of Uncertain Significance.